The following is an entry in ClinVar:

NM_053025.4(MYLK):c.3340A>C (p.Lys1114Gln)

Gene: MYLK (myosin light chain kinase; minus strand). Cytogenetic location: 3q21.1.
Variant type: single nucleotide variant.
Coding change: c.3340A>C on transcript NM_053025.4 (MANE Select); coding-DNA position 3340, A replaced by C.
Protein change: p.Lys1114Gln; replaces lysine 1114 with glutamine.
Molecular consequence: missense variant.
Genome position (GRCh38, 1-based): chr3:123,700,128, T>G on the plus strand (A>C on the coding strand, the complement: MYLK is on the minus strand). VCF-style: chr3-123700128-T-G. GRCh37 (hg19) VCF-style: chr3-123418975-T-G.
Other names: c.2812A>C, p.Lys938Gln (NM_001321309.2); c.3133A>C, p.Lys1045Gln (NM_053026.4, NM_053028.4); c.3340A>C, p.Lys1114Gln (NM_053027.4); short protein forms K938Q, K1114Q, K1045Q.
Identifiers: ClinVar variation 4773364 (VCV004773364.1).

ClinVar aggregate classification (germline): Uncertain significance (1 of 4 stars; one submission).

Conditions:
Aortic aneurysm, familial thoracic 7 (AAT7). Also called: AORTIC DISSECTION, FAMILIAL, WITH OR WITHOUT AORTIC ANEURYSM. Identifiers: MedGen C3151077, MONDO:0013418, OMIM 613780.

Submission:

Labcorp Genetics (formerly Invitae), Labcorp
Classification: Uncertain significance for Aortic aneurysm, familial thoracic 7. Last evaluated: 2025-12-15. Review status: criteria provided, single submitter. Criteria: Invitae Variant Classification Sherloc (09022015). Collection method: clinical testing. Allele origin: germline.
Comment: This sequence change replaces lysine, which is basic and polar, with glutamine, which is neutral and polar, at codon 1114 of the MYLK protein (p.Lys1114Gln). This variant is not present in population databases (gnomAD no frequency). This variant has not been reported in the literature in individuals affected with MYLK-related conditions. Invitae Evidence Modeling of protein sequence and biophysical properties (such as structural, functional, and spatial information, amino acid conservation, physicochemical variation, residue mobility, and thermodynamic stability) indicates that this missense variant is not expected to disrupt MYLK protein function with a negative predictive value of 80%. In summary, the available evidence is currently insufficient to determine the role of this variant in disease. Therefore, it has been classified as a Variant of Uncertain Significance.